The following is an entry in ClinVar:

NM_000273.3(GPR143):c.742A>T (p.Lys248Ter)

Gene: GPR143 (G protein-coupled receptor 143; minus strand). Cytogenetic location: Xp22.2.
Variant type: single nucleotide variant.
Coding change: c.742A>T on transcript NM_000273.3 (MANE Select); coding-DNA position 742, A replaced by T.
Protein change: p.Lys248Ter; replaces lysine 248 with a stop codon.
Molecular consequence: nonsense.
Genome position (GRCh38, 1-based): chrX:9,743,590, T>A on the plus strand (A>T on the coding strand, the complement: GPR143 is on the minus strand). VCF-style: chrX-9743590-T-A. GRCh37 (hg19) VCF-style: chrX-9711630-T-A.
Other names: short protein forms K248*.
Identifiers: ClinVar variation 2062646 (VCV002062646.4), dbSNP rs2518626744, ClinGen allele CA411996803.
Genomic context (GRCh38, chrX:9,743,590, plus strand): 5'-GCAATAAAAATACACATATATAGAAGAAAGGTTACCAAATAATTAAAACCAGCATGATTT[T>A]GAAAAATCGGATCTTGATCACGGCTCCCATCCTCCTCTCGTTCTCCGTGTAAATGCCTTG-3'

ClinVar aggregate classification (germline): Pathogenic (1 of 4 stars; one submission).

Submission:

Labcorp Genetics (formerly Invitae), Labcorp
Classification: Pathogenic. Last evaluated: 2023-12-18. Review status: criteria provided, single submitter. Criteria: Invitae Variant Classification Sherloc (09022015). Collection method: clinical testing. Allele origin: germline.
Comment: This sequence change creates a premature translational stop signal (p.Lys248*) in the GPR143 gene. It is expected to result in an absent or disrupted protein product. Loss-of-function variants in GPR143 are known to be pathogenic (PMID: 15965158, 18978956, 19390656, 21541274, 26160353, 28211458). This variant is not present in population databases (gnomAD no frequency). This variant has not been reported in the literature in individuals affected with GPR143-related conditions. ClinVar contains an entry for this variant (Variation ID: 2062646). Algorithms developed to predict the effect of sequence changes on RNA splicing suggest that this variant may disrupt the consensus splice site. For these reasons, this variant has been classified as Pathogenic.

Literature cited by the submitters: PubMed 15965158; PubMed 18978956; PubMed 19390656; PubMed 21541274; PubMed 26160353; PubMed 28211458.